The following is an entry in ClinVar:

ClinVar aggregate classification (germline): Pathogenic (1 of 4 stars; one submission).

Submission:

Labcorp Genetics (formerly Invitae), Labcorp
Classification: Pathogenic. Last evaluated: 2024-12-17. Review status: criteria provided, single submitter. Criteria: Invitae Variant Classification Sherloc (09022015). Collection method: clinical testing. Allele origin: germline.
Comment: This sequence change creates a premature translational stop signal (p.Ala8Profs*7) in the GHRHR gene. It is expected to result in an absent or disrupted protein product. Loss-of-function variants in GHRHR are known to be pathogenic (PMID: 12444890, 16355809). This variant is not present in population databases (gnomAD no frequency). This variant has not been reported in the literature in individuals affected with GHRHR-related conditions. For these reasons, this variant has been classified as Pathogenic.

Literature cited by the submitters: PubMed 12444890; PubMed 16355809.

NM_000823.4(GHRHR):c.22del (p.Ala8fs)

Gene: GHRHR (growth hormone releasing hormone receptor; plus strand). Cytogenetic location: 7p14.3.
Variant type: Deletion.
Coding change: c.22del on transcript NM_000823.4 (MANE Select); coding-DNA position 22, one base deleted (G; older notation c.22delG).
Protein change: p.Ala8fs; shifts the reading frame from alanine 8.
Molecular consequence: frameshift variant.
Genome position (GRCh38, 1-based): chr7:30,964,090, G deleted; the last of 6 consecutive G bases (chr7:30,964,085-30,964,090); deleting any one gives the same sequence. VCF-style (leftmost placement, unchanged base first): chr7-30964084-TG-T. GRCh37 (hg19) VCF-style: chr7-31003699-TG-T.
Other names: short protein forms A8fs.
Identifiers: ClinVar variation 3616306 (VCV003616306.2).